The following is an entry in ClinVar:

ClinVar aggregate classification (germline): Likely pathogenic. Review status: criteria provided, multiple submitters, no conflicts (2 of 4 stars). 2 submissions from 2 submitters: Likely pathogenic (2). Last evaluated 2025-05-22.

Conditions:
COL2A1-related disorder. Also called: COL2A1-related condition; COL2A1-related disorders.

Submissions (2):

PreventionGenetics, part of Exact Sciences
Classification: Likely pathogenic for COL2A1-related condition. Last evaluated: 2025-05-22. Review status: criteria provided, single submitter. Criteria: ACMG Guidelines, 2015. Collection method: clinical testing. Allele origin: germline.
Comment: The COL2A1 c.1394G>T variant is predicted to result in the amino acid substitution p.Gly465Val. To our knowledge, this variant has not been reported in the literature. This variant affects a Gly residue of the conserved triple helical region from amino acids 201-1214. Glycine substitutions in the triple helical region of COL2A1are expected to be pathogenic (Barat-Houari et al. 2016. PubMed ID: 26626311). This variant has not been reported in a large population database (gnomAD), indicating this variant is rare. This variant is interpreted as likely pathogenic.

Labcorp Genetics (formerly Invitae), Labcorp
Classification: Likely pathogenic. Last evaluated: 2022-07-31. Review status: criteria provided, single submitter. Criteria: Invitae Variant Classification Sherloc (09022015). Collection method: clinical testing. Allele origin: germline.
Comment: This variant is not present in population databases (gnomAD no frequency). This sequence change replaces glycine, which is neutral and non-polar, with valine, which is neutral and non-polar, at codon 465 of the COL2A1 protein (p.Gly465Val). This variant has not been reported in the literature in individuals affected with COL2A1-related conditions. Advanced modeling of protein sequence and biophysical properties (such as structural, functional, and spatial information, amino acid conservation, physicochemical variation, residue mobility, and thermodynamic stability) performed at Invitae indicates that this missense variant is expected to disrupt COL2A1 protein function. This variant disrupts the triple helix domain of COL2A1. Glycine residues within the Gly-Xaa-Yaa repeats of the triple helix domain are required for the structure and stability of fibrillar collagens (PMID: 7695699, 8218237, 19344236). In COL2A1, variants affecting these glycine residues are significantly enriched in individuals with disease (PMID: 9016532, 17078022) compared to the general population (ExAC). In summary, the currently available evidence indicates that the variant is pathogenic, but additional data are needed to prove that conclusively. Therefore, this variant has been classified as Likely Pathogenic.

Literature cited by the submitters: PubMed 7695699 (cited by Labcorp Genetics (formerly Invitae), Labcorp); PubMed 8218237 (cited by Labcorp Genetics (formerly Invitae), Labcorp); PubMed 19344236 (cited by Labcorp Genetics (formerly Invitae), Labcorp); PubMed 9016532 (cited by Labcorp Genetics (formerly Invitae), Labcorp); PubMed 17078022 (cited by Labcorp Genetics (formerly Invitae), Labcorp).

NM_001844.5(COL2A1):c.1394G>T (p.Gly465Val)

Gene: COL2A1 (collagen type II alpha 1 chain; minus strand). Cytogenetic location: 12q13.11.
Variant type: single nucleotide variant.
Coding change: c.1394G>T on transcript NM_001844.5 (MANE Select); coding-DNA position 1394, G replaced by T.
Protein change: p.Gly465Val; replaces glycine 465 with valine.
Molecular consequence: missense variant.
Genome position (GRCh38, 1-based): chr12:47,986,860, C>A on the plus strand (G>T on the coding strand, the complement: COL2A1 is on the minus strand). VCF-style: chr12-47986860-C-A. GRCh37 (hg19) VCF-style: chr12-48380643-C-A.
Other names: c.1187G>T, p.Gly396Val (NM_033150.3); c.1394G>T (NM_001844.4); short protein forms G396V, G465V.
Identifiers: ClinVar variation 2103433 (VCV002103433.5), dbSNP rs2540150856, ClinGen allele CA384553277.
Genomic context (GRCh38, chr12:47,986,860, plus strand): 5'-GCAGAGAAGACAAGGGCTTGGGGGCAGATACTCACAGGTTCTCCCTTGGGGCCTTGTTCA[C>A]CTTTGAAGCCAGCAATACCAGGTTCACCCTTGAAAAGAGAGGCAGGTCCTCACACCAGAT-3'
Protein context (NP_001835.3, residues 455-475): TGEPGIAGFK[Gly465Val]EQGPKGEPGP